The following is an entry in ClinVar:

NM_024514.5(CYP2R1):c.272G>A (p.Gly91Asp)

Genes: PDE3B (phosphodiesterase 3B; plus strand), CYP2R1 (cytochrome P450 family 2 subfamily R member 1; minus strand). Cytogenetic location: 11p15.2.
Variant type: single nucleotide variant.
Coding change: c.272G>A on transcript NM_024514.5 (MANE Select); coding-DNA position 272, G replaced by A.
Protein change: p.Gly91Asp; replaces glycine 91 with aspartic acid.
Molecular consequence: missense variant. On other transcripts: 5 prime UTR variant (13), non-coding transcript variant (12).
Genome position (GRCh38, 1-based): chr11:14,885,871, C>T on the plus strand (G>A on the coding strand, the complement: CYP2R1 is on the minus strand). VCF-style: chr11-14885871-C-T. GRCh37 (hg19) VCF-style: chr11-14907417-C-T.
Other names: c.-74G>A (NM_001377214.1, NM_001377215.1, NM_001377216.1 and 6 more transcripts); c.110G>A, p.Gly37Asp (NM_001377217.1); c.-19G>A (NM_001400562.1, NM_001400563.1, NM_001400564.1 and 1 more transcripts); c.128G>A, p.Gly43Asp (NM_001400567.1); c.227G>A, p.Gly76Asp (NM_001400568.1); short protein forms G43D, G76D, G37D, G91D.
Identifiers: ClinVar variation 1912325 (VCV001912325.6), dbSNP rs782115359, ClinGen allele CA5896727.

ClinVar aggregate classification (germline): Uncertain significance. Review status: criteria provided, multiple submitters, no conflicts (2 of 4 stars). 2 submissions from 2 submitters: Uncertain significance (2). Last evaluated 2024-03-26.

Conditions:
Vitamin D hydroxylation-deficient rickets, type 1B. Also called: Rickets due to Defect in Vitamin D 25-hydroxylation; PSEUDOVITAMIN D3 DEFICIENCY RICKETS DUE TO 25-HYDROXYLASE DEFICIENCY; VITAMIN D-DEPENDENT RICKETS, TYPE 1B. Identifiers: Orphanet 289157, MedGen C1838657, MONDO:0010810, OMIM 600081.

Allele frequency attached by ClinVar (database versions not stated): TOPMed 0.00001; gnomAD 0.00002; ExAC 0.00003.
gnomAD v4.1: 38 of 1,613,366 alleles (0.0024%); highest among the groups gnomAD compares: Non-Finnish European, 0.0031%; no homozygotes.

Submissions (2):

Fulgent Genetics
Classification: Uncertain significance for Vitamin D hydroxylation-deficient rickets, type 1B. Last evaluated: 2024-03-26. Review status: criteria provided, single submitter. Criteria: ACMG Guidelines, 2015. Collection method: clinical testing. Allele origin: germline.

Labcorp Genetics (formerly Invitae), Labcorp
Classification: Uncertain significance. Last evaluated: 2022-06-11. Review status: criteria provided, single submitter. Criteria: Invitae Variant Classification Sherloc (09022015). Collection method: clinical testing. Allele origin: germline.
Comment: This variant is present in population databases (rs782115359, gnomAD 0.004%). In summary, the available evidence is currently insufficient to determine the role of this variant in disease. Therefore, it has been classified as a Variant of Uncertain Significance. Algorithms developed to predict the effect of missense changes on protein structure and function (SIFT, PolyPhen-2, Align-GVGD) all suggest that this variant is likely to be disruptive. This variant has not been reported in the literature in individuals affected with CYP2R1-related conditions. This sequence change replaces glycine, which is neutral and non-polar, with aspartic acid, which is acidic and polar, at codon 91 of the CYP2R1 protein (p.Gly91Asp).